The following is an entry in ClinVar:

ClinVar aggregate classification (germline): Pathogenic (1 of 4 stars; one submission).

Conditions:
Primary ciliary dyskinesia. Also called: Ciliary dyskinesia. Identifiers: Orphanet 244, MedGen C0008780, MONDO:0016575, HP:0012265.

Submission:

Labcorp Genetics (formerly Invitae), Labcorp
Classification: Pathogenic for Primary ciliary dyskinesia. Last evaluated: 2016-09-07. Review status: criteria provided, single submitter. Criteria: Invitae Variant Classification Sherloc (09022015). Collection method: clinical testing. Allele origin: germline.
Comment: This variant is a complex sequence change that deletes exon 4 and the first few codons of exon 5, and inserts 15 nucleotides (c.278-226_443delinsTGTTTTCTTAAAACA). This creates a premature translational stop signal and is expected to result in an absent or disrupted protein product. While this particular variant has not been reported in the literature, loss-of-function variants in DNAH5 are known to be pathogenic (PMID: 16627867, 11788826). For these reasons, this variant has been classified as Pathogenic.

NM_001369.2(DNAH5):c.278-?_438+?del

Gene: DNAH5 (dynein axonemal heavy chain 5; minus strand). Cytogenetic location: 5p15.2.
Variant type: Deletion.
Coding change: c.278-?_438+?del on transcript NM_001369.2.
Identifiers: ClinVar variation 254079 (VCV000254079.1).